The following is an entry in ClinVar:

NM_006565.4(CTCF):c.1130G>A (p.Arg377His)

Gene: CTCF (CCCTC-binding factor; plus strand). Cytogenetic location: 16q22.1.
Variant type: single nucleotide variant.
Coding change: c.1130G>A on transcript NM_006565.4 (MANE Select); coding-DNA position 1130, G replaced by A.
Protein change: p.Arg377His; replaces arginine 377 with histidine.
Molecular consequence: missense variant.
Genome position (GRCh38, 1-based): chr16:67,620,740, G>A. VCF-style: chr16-67620740-G-A. GRCh37 (hg19) VCF-style: chr16-67654643-G-A.
Other names: c.146G>A, p.Arg49His (NM_001191022.2); c.1130G>A, p.Arg377His (NM_001363916.2); short protein forms R377H, R49H.
Identifiers: ClinVar variation 594989 (VCV000594989.43), dbSNP rs968244943, ClinGen allele CA283171481.

ClinVar aggregate classification (germline): Conflicting classifications of pathogenicity. Review status: criteria provided, conflicting classifications (1 of 4 stars). 6 submissions from 6 submitters: Pathogenic (5); Uncertain significance (1). Last evaluated 2025-09-29.

Conditions:
CTCF-related neurodevelopmental disorder. Also called: INTELLECTUAL DEVELOPMENTAL DISORDER, AUTOSOMAL DOMINANT 21; Intellectual disability-feeding difficulties-developmental delay-microcephaly syndrome. Identifiers: Orphanet 363611, MedGen C3809686, MONDO:0014213, OMIM 615502.
CTCF-related disorder. Also called: CTCF-related condition. Identifiers: MedGen CN381101.

Allele frequency attached by ClinVar (database versions not stated): gnomAD exomes below 0.00001; TOPMed below 0.00001.
gnomAD v4.1: 3 of 1,600,090 alleles (0.00019%); highest among the groups gnomAD compares: Non-Finnish European, 0.00026%; no homozygotes.

Submissions (6):

Labcorp Genetics (formerly Invitae), Labcorp
Classification: Pathogenic. Last evaluated: 2025-09-29. Review status: criteria provided, single submitter. Criteria: Invitae Variant Classification Sherloc (09022015). Collection method: clinical testing. Allele origin: germline.
Comment: This sequence change replaces arginine, which is basic and polar, with histidine, which is basic and polar, at codon 377 of the CTCF protein (p.Arg377His). This variant is not present in population databases (gnomAD no frequency). This missense change has been observed in individual(s) with CTCF-related conditions (PMID: 31239556). In at least one individual the variant was observed to be de novo. ClinVar contains an entry for this variant (Variation ID: 594989). Invitae Evidence Modeling of protein sequence and biophysical properties (such as structural, functional, and spatial information, amino acid conservation, physicochemical variation, residue mobility, and thermodynamic stability) indicates that this missense variant is expected to disrupt CTCF protein function with a positive predictive value of 95%. For these reasons, this variant has been classified as Pathogenic.

Blueprint Genetics
Classification: Pathogenic for CTCF-related disorders. Last evaluated: 2024-10-03. Review status: criteria provided, single submitter. Criteria: ACMG Guidelines, 2015. Collection method: clinical testing. Allele origin: de novo. Affected: yes. Observed: 1 variant allele.

CeGaT Center for Human Genetics Tuebingen
Classification: Pathogenic. Last evaluated: 2022-09-01. Review status: criteria provided, single submitter. Criteria: CeGaT Center For Human Genetics Tuebingen Variant Classification Criteria Version 2. Collection method: clinical testing. Allele origin: germline. Affected: yes. Observed: 2 variant alleles.
Comment: CTCF: PS2, PM2, PS3:Moderate, PS4:Moderate, PP2

GeneDx
Classification: Pathogenic. Last evaluated: 2021-12-17. Review status: criteria provided, single submitter. Criteria: GeneDx Variant Classification Process June 2021. Collection method: clinical testing. Allele origin: germline. Affected: yes.
Comment: Published functional studies demonstrate a damaging effect with abolished transcriptional regulatory function (Marshall et al., 2017); In silico analysis supports that this missense variant has a deleterious effect on protein structure/function; This variant is associated with the following publications: (PMID: 28319062, 31239556)

Institute of Human Genetics, University of Leipzig Medical Center
Classification: Pathogenic for CTCF-related neurodevelopmental disorder. Last evaluated: 2019-12-21. Review status: criteria provided, single submitter. Criteria: ACMG Guidelines, 2015. Collection method: research. Allele origin: de novo.

Eurofins Ntd Llc (ga)
Classification: Uncertain significance. Last evaluated: 2017-11-10. Review status: criteria provided, single submitter. Criteria: EGL Classification Definitions 2015. Collection method: clinical testing. Allele origin: germline. Observed: 1 variant allele, 1 heterozygote.

Literature cited by the submitters: PubMed 31239556 (cited by Labcorp Genetics (formerly Invitae), Labcorp and Institute of Human Genetics, University of Leipzig Medical Center).